The following is an entry in ClinVar:

NM_001044.5(SLC6A3):c.605C>G (p.Ser202Trp)

Gene: SLC6A3 (solute carrier family 6 member 3). Cytogenetic location: 5p15.33.
Variant type: single nucleotide variant.
Coding change: c.605C>G on transcript NM_001044.5 (MANE Select); coding-DNA position 605, C replaced by G.
Protein change: p.Ser202Trp; replaces serine 202 with tryptophan.
Molecular consequence: missense variant.
Genome position (GRCh38, 1-based): chr5:1,432,512, G>C on the plus strand (C>G on the coding strand, the complement: SLC6A3 is on the minus strand). VCF-style: chr5-1432512-G-C. GRCh37 (hg19) VCF-style: chr5-1432627-G-C.
Other names: short protein forms S202W.
Identifiers: ClinVar variation 470640 (VCV000470640.7), dbSNP rs149444784, ClinGen allele CA3186334.

ClinVar aggregate classification (germline): Uncertain significance. Review status: criteria provided, multiple submitters, no conflicts (2 of 4 stars). 2 submissions from 2 submitters: Uncertain significance (2). Last evaluated 2022-09-27.

Conditions:
Parkinsonism-dystonia, infantile. Identifiers: Orphanet 238455, MedGen C2751067, MONDO:0013150.
Inborn genetic diseases. Identifiers: MedGen C0950123, MeSH D030342.

Allele frequency attached by ClinVar (database versions not stated): gnomAD 0.00019; TOPMed 0.00021; ESP Exome Variant Server 0.00023.
gnomAD v4.1: 32 of 1,614,098 alleles (0.002%); highest among the groups gnomAD compares: African/African-American, 0.037%; no homozygotes.

Submissions (2):

Labcorp Genetics (formerly Invitae), Labcorp
Classification: Uncertain significance for Parkinsonism-dystonia, infantile. Last evaluated: 2022-09-27. Review status: criteria provided, single submitter. Criteria: Invitae Variant Classification Sherloc (09022015). Collection method: clinical testing. Allele origin: germline.
Comment: In summary, the available evidence is currently insufficient to determine the role of this variant in disease. Therefore, it has been classified as a Variant of Uncertain Significance. Algorithms developed to predict the effect of missense changes on protein structure and function are either unavailable or do not agree on the potential impact of this missense change (SIFT: "Tolerated"; PolyPhen-2: "Possibly Damaging"; Align-GVGD: "Class C0"). This variant has not been reported in the literature in individuals affected with SLC6A3-related conditions. ClinVar contains an entry for this variant (Variation ID: 470640). This variant is present in population databases (rs149444784, gnomAD 0.04%). This sequence change replaces serine, which is neutral and polar, with tryptophan, which is neutral and slightly polar, at codon 202 of the SLC6A3 protein (p.Ser202Trp).

Ambry Genetics
Classification: Uncertain significance for Inborn genetic diseases. Last evaluated: 2022-08-30. Review status: criteria provided, single submitter. Criteria: Ambry Variant Classification Scheme 2023. Collection method: clinical testing. Allele origin: germline.